The following is an entry in ClinVar:

ClinVar aggregate classification (germline): Likely pathogenic (1 of 4 stars; one submission).

Conditions:
Hereditary factor VIII deficiency disease (HEMA). Also called: HEMOPHILIA, CLASSIC; AUTOSOMAL HEMOPHILIA A; Hemophilia A; Hemophilia A, congenital; HEM A; Factor 8 deficiency, congenital. Identifiers: Orphanet 98878, MedGen C0019069, MONDO:0010602, OMIM 306700.

Submission:

Neuberg Centre For Genomic Medicine, NCGM
Classification: Likely pathogenic for Hereditary factor VIII deficiency disease. Last evaluated: 2023-05-20. Review status: criteria provided, single submitter. Criteria: ACMG Guidelines, 2015. Collection method: clinical testing. Allele origin: germline. Inheritance: X-linked recessive inheritance. Affected: yes.
Comment: The observed missense c.1655A>G(p.Tyr552Cys) variant in F8 gene has not been reported previously as a pathogenic variant nor a benign variant, to our knowledge. The p.Tyr552Cys variant is absent in gnomAD Exomes. This variant has not been submitted to the ClinVar database. Multiple lines of computational evidences (Polyphen - Probably damaging, SIFT - Damaging and MutationTaster - Disease causing) predict a damaging effect on protein structure and function for this variant. The amino acid change p.Tyr552Cys in F8 is predicted as conserved by GERP++ and PhyloP across 100 vertebrates. The amino acid Tyr at position 552 is changed to a Cys changing protein sequence and it might alter its composition and physico-chemical properties. For these reasons, this variant has been classified as a Variant of Uncertain Significance (VUS).

NM_000132.4(F8):c.1655A>G (p.Tyr552Cys)

Gene: F8 (coagulation factor VIII; minus strand). Cytogenetic location: Xq28.
Variant type: single nucleotide variant.
Coding change: c.1655A>G on transcript NM_000132.4 (MANE Select); coding-DNA position 1655, A replaced by G.
Protein change: p.Tyr552Cys; replaces tyrosine 552 with cysteine.
Molecular consequence: missense variant.
Genome position (GRCh38, 1-based): chrX:154,957,054, T>C on the plus strand (A>G on the coding strand, the complement: F8 is on the minus strand). VCF-style: chrX-154957054-T-C. GRCh37 (hg19) VCF-style: chrX-154185329-T-C.
Other names: short protein forms Y552C.
Identifiers: ClinVar variation 3341381 (VCV003341381.1).